The following is an entry in ClinVar:

NC_000008.10:g.(?_100286416)_(100568891_?)del

Gene: VPS13B (vacuolar protein sorting 13 homolog B; plus strand). Cytogenetic location: 8q22.2.
Variant type: Deletion.
Identifiers: ClinVar variation 1460182 (VCV001460182.6).

ClinVar aggregate classification (germline): Pathogenic (1 of 4 stars; one submission).

Conditions:
Cohen syndrome (COH1). Also called: PEPPER SYNDROME; Cutis verticis gyrata, retinitis pigmentosa, and sensorineural deafness. Identifiers: Orphanet 193, MedGen C0265223, MONDO:0008999, OMIM 216550.

Submission:

Labcorp Genetics (formerly Invitae), Labcorp
Classification: Pathogenic for Cohen syndrome. Last evaluated: 2021-03-08. Review status: criteria provided, single submitter. Criteria: Invitae Variant Classification Sherloc (09022015). Collection method: clinical testing. Allele origin: germline.
Comment: This variant is a gross deletion of the genomic region encompassing exon(s) 18-31 of the VPS13B gene. This deletion is out-of-frame, and is expected to create a premature translational stop signal and result in an absent or disrupted protein product. Loss-of-function variants in VPS13B are known to be pathogenic (PMID: 15141358, 16648375, 20461111). For these reasons, this variant has been classified as Pathogenic. This variant has not been reported in the literature in individuals with VPS13B-related conditions.

Literature cited by the submitters: PubMed 15141358; PubMed 16648375; PubMed 20461111.